The following is an entry in ClinVar:

ClinVar aggregate classification (germline): Uncertain significance. Review status: criteria provided, multiple submitters, no conflicts (2 of 4 stars). 3 submissions from 3 submitters: Uncertain significance (2). 1 of the submissions does not count toward it. Last evaluated 2022-03-11.

Conditions:
Noonan syndrome (NS). Also called: Noonan's syndrome. Identifiers: Orphanet 648, MedGen C0028326, MeSH D009634, MONDO:0018997. Disease mechanism: gain of function.
Noonan syndrome 9 (NS9). Identifiers: Orphanet 648, MedGen C4225282, MONDO:0014691, OMIM 616559.

gnomAD v4.1: 2 of 1,598,206 alleles (0.00013%); highest among the groups gnomAD compares: Non-Finnish European, 0.00017%; no homozygotes.

Submissions (3):

Labcorp Genetics (formerly Invitae), Labcorp
Classification: Uncertain significance for Noonan syndrome 9. Last evaluated: 2022-03-11. Review status: criteria provided, single submitter. Criteria: Invitae Variant Classification Sherloc (09022015). Collection method: clinical testing. Allele origin: germline.
Comment: This variant has not been reported in the literature in individuals affected with SOS2-related conditions. ClinVar contains an entry for this variant (Variation ID: 981588). Advanced modeling of protein sequence and biophysical properties (such as structural, functional, and spatial information, amino acid conservation, physicochemical variation, residue mobility, and thermodynamic stability) performed at Invitae indicates that this missense variant is not expected to disrupt SOS2 protein function. In summary, the available evidence is currently insufficient to determine the role of this variant in disease. Therefore, it has been classified as a Variant of Uncertain Significance. This variant is present in population databases (no rsID available, gnomAD no frequency). This sequence change replaces aspartic acid, which is acidic and polar, with glycine, which is neutral and non-polar, at codon 177 of the SOS2 protein (p.Asp177Gly).

Illumina Laboratory Services, Illumina
Classification: Uncertain significance for Noonan syndrome 9. Last evaluated: 2021-03-04. Review status: criteria provided, single submitter. Criteria: ICSLVariantClassificationCriteria RUGD 01 April 2020. Collection method: clinical testing. Allele origin: unknown.
Comment: The SOS2 c.530A>G (p.Asp177Gly) variant is a missense variant. A literature search was performed for the gene, cDNA change, and amino acid change. No publications were found based on this search. The p.Asp177Gly variant is reported at a frequency of 0.000009 in the European (non-Finnish) population in the Genome Aggregation Database, but this is based on one allele in a region of good sequence coverage, so the variant is presumed to be rare. Based on the limited evidence, the p.Asp177Gly variant is classified as a variant of uncertain significance for Noonan syndrome.

Service de Génétique Moléculaire, Hôpital Robert Debré
Classification: Uncertain significance for Noonan syndrome. Review status: no assertion criteria provided. Collection method: clinical testing. Allele origin: paternal. Affected: yes. Not counted in ClinVar's aggregate classification.

NM_006939.4(SOS2):c.530A>G (p.Asp177Gly)

Gene: SOS2 (SOS Ras/Rho guanine nucleotide exchange factor 2; minus strand). Cytogenetic location: 14q21.3.
Variant type: single nucleotide variant.
Coding change: c.530A>G on transcript NM_006939.4 (MANE Select); coding-DNA position 530, A replaced by G.
Protein change: p.Asp177Gly; replaces aspartic acid 177 with glycine.
Molecular consequence: missense variant.
Genome position (GRCh38, 1-based): chr14:50,188,681, T>C on the plus strand (A>G on the coding strand, the complement: SOS2 is on the minus strand). VCF-style: chr14-50188681-T-C. GRCh37 (hg19) VCF-style: chr14-50655399-T-C.
Other names: short protein forms D177G.
Identifiers: ClinVar variation 981588 (VCV000981588.9), dbSNP rs1313632636, ClinGen allele CA389648328.